The following is an entry in ClinVar:

ClinVar aggregate classification (germline): Likely pathogenic (1 of 4 stars; one submission).

Submission:

Labcorp Genetics (formerly Invitae), Labcorp
Classification: Likely pathogenic. Last evaluated: 2020-08-22. Review status: criteria provided, single submitter. Criteria: Invitae Variant Classification Sherloc (09022015). Collection method: clinical testing. Allele origin: germline.
Comment: In summary, the currently available evidence indicates that the variant is pathogenic, but additional data are needed to prove that conclusively. Therefore, this variant has been classified as Likely Pathogenic. This variant disrupts the p.Ser366 amino acid residue in NPHS1. Other variant(s) that disrupt this residue have been determined to be pathogenic (PMID: 9915943, 20172850, 24371179). This suggests that this residue is clinically significant, and that variants that disrupt this residue are likely to be disease-causing. Advanced modeling of protein sequence and biophysical properties (such as structural, functional, and spatial information, amino acid conservation, physicochemical variation, residue mobility, and thermodynamic stability) performed at Invitae indicates that this missense variant is expected to disrupt NPHS1 protein function. This variant has not been reported in the literature in individuals with NPHS1-related conditions. This variant is not present in population databases (ExAC no frequency). This sequence change replaces serine with asparagine at codon 366 of the NPHS1 protein (p.Ser366Asn). The serine residue is highly conserved and there is a small physicochemical difference between serine and asparagine.

Literature cited by the submitters: PubMed 9915943; PubMed 20172850; PubMed 24371179.

NM_004646.4(NPHS1):c.1097G>A (p.Ser366Asn)

Gene: NPHS1 (NPHS1 adhesion molecule, nephrin; minus strand). Cytogenetic location: 19q13.12.
Variant type: single nucleotide variant.
Coding change: c.1097G>A on transcript NM_004646.4 (MANE Select); coding-DNA position 1097, G replaced by A.
Protein change: p.Ser366Asn; replaces serine 366 with asparagine.
Molecular consequence: missense variant.
Genome position (GRCh38, 1-based): chr19:35,848,710, C>T on the plus strand (G>A on the coding strand, the complement: NPHS1 is on the minus strand). VCF-style: chr19-35848710-C-T. GRCh37 (hg19) VCF-style: chr19-36339612-C-T.
Other names: short protein forms S366N.
Identifiers: ClinVar variation 1066570 (VCV001066570.9), dbSNP rs2146827117, ClinGen allele CA405406424.